The following is an entry in ClinVar:

NM_032119.4(ADGRV1):c.12484A>T (p.Ile4162Phe)

Gene: ADGRV1 (adhesion G protein-coupled receptor V1; plus strand). Cytogenetic location: 5q14.3.
Variant type: single nucleotide variant.
Coding change: c.12484A>T on transcript NM_032119.4 (MANE Select); coding-DNA position 12484, A replaced by T.
Protein change: p.Ile4162Phe; replaces isoleucine 4162 with phenylalanine.
Molecular consequence: missense variant. On other transcripts: non-coding transcript variant (1).
Genome position (GRCh38, 1-based): chr5:90,776,533, A>T. VCF-style: chr5-90776533-A-T. GRCh37 (hg19) VCF-style: chr5-90072350-A-T.
Other names: short protein forms I4162F.
Identifiers: ClinVar variation 1054862 (VCV001054862.9), dbSNP rs377626561, ClinGen allele CA360385821.

ClinVar aggregate classification (germline): Uncertain significance (1 of 4 stars; one submission).

Submission:

Labcorp Genetics (formerly Invitae), Labcorp
Classification: Uncertain significance. Last evaluated: 2022-03-19. Review status: criteria provided, single submitter. Criteria: Invitae Variant Classification Sherloc (09022015). Collection method: clinical testing. Allele origin: germline.
Comment: Algorithms developed to predict the effect of missense changes on protein structure and function are either unavailable or do not agree on the potential impact of this missense change (SIFT: "Deleterious"; PolyPhen-2: "Benign"; Align-GVGD: "Class C0"). ClinVar contains an entry for this variant (Variation ID: 1054862). This variant has not been reported in the literature in individuals affected with ADGRV1-related conditions. This variant is not present in population databases (gnomAD no frequency). This sequence change replaces isoleucine, which is neutral and non-polar, with phenylalanine, which is neutral and non-polar, at codon 4162 of the ADGRV1 protein (p.Ile4162Phe). In summary, the available evidence is currently insufficient to determine the role of this variant in disease. Therefore, it has been classified as a Variant of Uncertain Significance.